The following is an entry in ClinVar:

ClinVar aggregate classification (germline): Uncertain significance (1 of 4 stars; one submission).

Conditions:
Perlman syndrome (PRLMNS). Identifiers: Orphanet 2849, MedGen C0796113, MONDO:0009965, OMIM 267000.

Submission:

Labcorp Genetics (formerly Invitae), Labcorp
Classification: Uncertain significance for Perlman syndrome. Last evaluated: 2024-04-22. Review status: criteria provided, single submitter. Criteria: Invitae Variant Classification Sherloc (09022015). Collection method: clinical testing. Allele origin: germline.
Comment: This sequence change replaces glycine, which is neutral and non-polar, with aspartic acid, which is acidic and polar, at codon 205 of the DIS3L2 protein (p.Gly205Asp). This variant is not present in population databases (gnomAD no frequency). This variant has not been reported in the literature in individuals affected with DIS3L2-related conditions. ClinVar contains an entry for this variant (Variation ID: 1416184). An algorithm developed to predict the effect of missense changes on protein structure and function (PolyPhen-2) suggests that this variant is likely to be tolerated. In summary, the available evidence is currently insufficient to determine the role of this variant in disease. Therefore, it has been classified as a Variant of Uncertain Significance.

NM_152383.5(DIS3L2):c.614G>A (p.Gly205Asp)

Gene: DIS3L2 (DIS3 like 3'-5' exoribonuclease 2; plus strand). Cytogenetic location: 2q37.1.
Variant type: single nucleotide variant.
Coding change: c.614G>A on transcript NM_152383.5 (MANE Select); coding-DNA position 614, G replaced by A.
Protein change: p.Gly205Asp; replaces glycine 205 with aspartic acid.
Molecular consequence: missense variant. On other transcripts: non-coding transcript variant (2).
Genome position (GRCh38, 1-based): chr2:232,130,631, G>A. VCF-style: chr2-232130631-G-A. GRCh37 (hg19) VCF-style: chr2-232995341-G-A.
Other names: c.614G>A, p.Gly205Asp (NM_001257281.2, NM_001257282.2); short protein forms G205D.
Identifiers: ClinVar variation 1416184 (VCV001416184.6), dbSNP rs2106350006, ClinGen allele CA351153107.